The following is an entry in ClinVar:

ClinVar aggregate classification (germline): Likely benign. Review status: criteria provided, multiple submitters, no conflicts (2 of 4 stars). 2 submissions from 2 submitters: Likely benign (2). Last evaluated 2023-01-01.

Submissions (2):

CeGaT Center for Human Genetics Tuebingen
Classification: Likely benign. Last evaluated: 2023-01-01. Review status: criteria provided, single submitter. Criteria: CeGaT Center For Human Genetics Tuebingen Variant Classification Criteria Version 2. Collection method: clinical testing. Allele origin: germline. Affected: yes. Observed: 1 variant allele.
Comment: CHKB: PM2:Supporting, BP4, BP7

Labcorp Genetics (formerly Invitae), Labcorp
Classification: Likely benign. Last evaluated: 2018-05-21. Review status: criteria provided, single submitter. Criteria: Invitae Variant Classification Sherloc (09022015). Collection method: clinical testing. Allele origin: germline.

NM_005198.5(CHKB):c.624T>G (p.Pro208=)

Genes: CHKB (choline kinase beta; minus strand), CHKB-CPT1B (CHKB-CPT1B readthrough (NMD candidate); minus strand). Cytogenetic location: 22q13.33.
Variant type: single nucleotide variant.
Coding change: c.624T>G on transcript NM_005198.5 (MANE Select); coding-DNA position 624, T replaced by G.
Protein change: p.Pro208=; no amino-acid change (proline 208 retained).
Molecular consequence: synonymous variant. On other transcripts: non-coding transcript variant (1).
Genome position (GRCh38, 1-based): chr22:50,580,618, A>C on the plus strand (T>G on the coding strand, the complement: CHKB is on the minus strand). VCF-style: chr22-50580618-A-C. GRCh37 (hg19) VCF-style: chr22-51019047-A-C.
Identifiers: ClinVar variation 746914 (VCV000746914.27), dbSNP rs1603443728, ClinGen allele CA515273139.